The following is an entry in ClinVar:

NM_003742.4(ABCB11):c.2768C>T (p.Thr923Ile)

Genes: ABCB11 (ATP binding cassette subfamily B member 11; minus strand), LOC126806400 (CDK7 strongly-dependent group 2 enhancer GRCh37_chr2:169791870-169793069; plus strand). Cytogenetic location: 2q31.1.
Variant type: single nucleotide variant.
Coding change: c.2768C>T on transcript NM_003742.4 (MANE Select); coding-DNA position 2768, C replaced by T.
Protein change: p.Thr923Ile; replaces threonine 923 with isoleucine.
Molecular consequence: missense variant.
Genome position (GRCh38, 1-based): chr2:168,936,276, G>A on the plus strand (C>T on the coding strand, the complement: ABCB11 is on the minus strand). VCF-style: chr2-168936276-G-A. GRCh37 (hg19) VCF-style: chr2-169792786-G-A.
Other names: c.2768C>T, p.Thr923Ile (LRG_1199t1); short protein forms T923I.
Identifiers: ClinVar variation 502605 (VCV000502605.17), dbSNP rs199514789, ClinGen allele CA1951196.
Genomic context (GRCh38, chr2:168,936,276, plus strand): 5'-ATCTGCAAGATTACCTGTCCCACCATCTCCAGGGCCTGCTTATCTCGAGAGGCAAATCCT[G>A]TCAACATCCTGGTCTGTGTGGCTCCTGATAAAGCCAAGAAGGGGAAGAAGCACAAGATGA-3'
Protein context (NP_003733.2, residues 913-933): LSGATQTRML[Thr923Ile]GFASRDKQAL

ClinVar aggregate classification (germline): Conflicting classifications of pathogenicity. Review status: criteria provided, conflicting classifications (1 of 4 stars). 4 submissions from 4 submitters: Uncertain significance (3); Likely benign (1). Last evaluated 2026-05-09.

Conditions:
Progressive familial intrahepatic cholestasis type 2. Identifiers: Orphanet 79304, MedGen C3489789, MONDO:0011156, OMIM 601847.
ABCB11-related disorder. Also called: ABCB11-related condition.

Allele frequency attached by ClinVar (database versions not stated): gnomAD exomes 0.00001 and 0.00006; ExAC 0.00009; gnomAD 0.00015 and 0.00017; 1000 Genomes Project 30x 0.00016; ESP Exome Variant Server 0.00016; TOPMed 0.00018; 1000 Genomes Project 0.00020.
gnomAD v4.1: 42 of 1,613,920 alleles (0.0026%); highest among the groups gnomAD compares: African/African-American, 0.045%; no homozygotes.

Submissions (4):

PreventionGenetics, part of Exact Sciences
Classification: Uncertain significance for ABCB11-related condition. Last evaluated: 2026-05-09. Review status: criteria provided, single submitter. Criteria: ACMG Guidelines, 2015. Collection method: clinical testing. Allele origin: germline.
Comment: The ABCB11 c.2768C>T variant is predicted to result in the amino acid substitution p.Thr923Ile. To our knowledge, this variant has not been reported in the literature. This variant is reported in 0.074% of alleles in individuals of African descent in gnomAD. Although we suspect that this variant may be benign, at this time, the clinical significance of this variant is uncertain due to the absence of conclusive functional and genetic evidence.

Labcorp Genetics (formerly Invitae), Labcorp
Classification: Likely benign. Last evaluated: 2026-01-05. Review status: criteria provided, single submitter. Criteria: Invitae Variant Classification Sherloc (09022015). Collection method: clinical testing. Allele origin: germline.

Illumina Laboratory Services, Illumina
Classification: Uncertain significance for Progressive familial intrahepatic cholestasis type 2. Last evaluated: 2018-01-13. Review status: criteria provided, single submitter. Criteria: ICSL Variant Classification Criteria 13 December 2019. Collection method: clinical testing. Allele origin: germline.

Eurofins Ntd Llc (ga)
Classification: Uncertain significance. Last evaluated: 2017-12-26. Review status: criteria provided, single submitter. Criteria: EGL Classification Definitions 2015. Collection method: clinical testing. Allele origin: germline. Observed: 2 variant alleles, 2 heterozygotes.